The following is an entry in ClinVar:

ClinVar aggregate classification (germline): Uncertain significance (1 of 4 stars; one submission).

Conditions:
Weill-Marchesani syndrome 1 (WMS1). Also called: ADAMTS10-Related Weill-Marchesani Syndrome; Weill-Marchesani syndrome 1, recessive; Weill-Marchesani Syndrome, Autosomal Recessive. Identifiers: Orphanet 3449, MedGen C4552002, MONDO:0010194, OMIM 277600.

Submission:

Baylor Genetics
Classification: Uncertain significance for Weill-Marchesani syndrome 1. Last evaluated: 2019-09-13. Review status: criteria provided, single submitter. Criteria: ACMG Guidelines, 2015. Collection method: clinical testing. Allele origin: unknown. Affected: yes.
Comment: This variant was determined to be of uncertain significance according to ACMG Guidelines, 2015 [PMID:25741868].

NM_030957.4(ADAMTS10):c.2632G>A (p.Ala878Thr)

Gene: ADAMTS10 (ADAM metallopeptidase with thrombospondin type 1 motif 10; minus strand). Cytogenetic location: 19p13.2.
Variant type: single nucleotide variant.
Coding change: c.2632G>A on transcript NM_030957.4 (MANE Select); coding-DNA position 2632, G replaced by A.
Protein change: p.Ala878Thr; replaces alanine 878 with threonine.
Molecular consequence: missense variant.
Genome position (GRCh38, 1-based): chr19:8,586,150, C>T on the plus strand (G>A on the coding strand, the complement: ADAMTS10 is on the minus strand). VCF-style: chr19-8586150-C-T. GRCh37 (hg19) VCF-style: chr19-8651034-C-T.
Other names: c.1093G>A, p.Ala365Thr (NM_001282352.2); short protein forms A365T, A878T.
Identifiers: ClinVar variation 1029985 (VCV001029985.1), dbSNP rs1197418432, ClinGen allele CA403749349.
Genomic context (GRCh38, chr19:8,586,150, plus strand): 5'-CCTGAGCAACACTGCCCCCTGGCGGCACTCACTCTGGAGGGCAAGGCTCCGTGTTGCAGG[C>T]GCGCTGCCTTTTGGGCAGCTTGCTGTGGGCACTGCAGTAGTGGGGGGCGACCGCGGAGCT-3'
Protein context (NP_112219.3, residues 868-888): AHSKLPKRQR[Ala878Thr]CNTEPCPPDW